The following is an entry in ClinVar:

ClinVar aggregate classification (germline): Uncertain significance. Review status: criteria provided, multiple submitters, no conflicts (2 of 4 stars). 2 submissions from 2 submitters: Uncertain significance (2). Last evaluated 2024-03-06.

Conditions:
Cardiomyopathy (CMYO). Also called: Cardiomyopathies. Identifiers: Orphanet 167848, MedGen C0878544, MONDO:0004994, HP:0001638. Inheritance: Various modes of inheritance.
Charcot-Marie-Tooth disease type 2. Also called: Charcot-Marie-Tooth type 2. Identifiers: Orphanet 64746, MedGen C0270914, MONDO:0018993.

Allele frequency attached by ClinVar (database versions not stated): gnomAD exomes below 0.00001.
gnomAD v4.1: 1 of 1,597,888 alleles (0.000063%); highest among the groups gnomAD compares: Non-Finnish European, 0.000085%; no homozygotes.

Submissions (2):

Color Diagnostics, LLC DBA Color Health
Classification: Uncertain significance for Cardiomyopathy. Last evaluated: 2024-03-06. Review status: criteria provided, single submitter. Criteria: ACMG Guidelines, 2015. Collection method: clinical testing. Allele origin: germline.
Comment: This missense variant replaces histidine with glutamine at codon 163 of the lamin A/C proteins. Computational prediction suggests that this variant may not impact protein structure and function (internally defined REVEL score threshold <= 0.5, PMID: 27666373). Splice site prediction tools suggest that this variant may not impact RNA splicing. To our knowledge, functional studies have not been performed for this variant. This variant has not been reported in individuals affected with cardiovascular disorders in the literature. This variant has not been identified in the general population by the Genome Aggregation Database (gnomAD). The available evidence is insufficient to determine the role of this variant in disease conclusively. Therefore, this variant is classified as a Variant of Uncertain Significance.

Labcorp Genetics (formerly Invitae), Labcorp
Classification: Uncertain significance for Charcot-Marie-Tooth disease type 2. Last evaluated: 2018-07-30. Review status: criteria provided, single submitter. Criteria: Invitae Variant Classification Sherloc (09022015). Collection method: clinical testing. Allele origin: germline.
Comment: This sequence change replaces histidine with glutamine at codon 163 of the LMNA protein (p.His163Gln). The histidine residue is highly conserved and there is a small physicochemical difference between histidine and glutamine. This variant is not present in population databases (ExAC no frequency). This variant has not been reported in the literature in individuals with LMNA-related disease. Algorithms developed to predict the effect of missense changes on protein structure and function (SIFT, PolyPhen-2, Align-GVGD) all suggest that this variant is likely to be tolerated, but these predictions have not been confirmed by published functional studies and their clinical significance is uncertain. In summary, the available evidence is currently insufficient to determine the role of this variant in disease. Therefore, it has been classified as a Variant of Uncertain Significance.

NM_170707.4(LMNA):c.489T>G (p.His163Gln)

Genes: LMNA (lamin A/C; plus strand), LOC126805877 (MED14-independent group 3 enhancer GRCh37_chr1:156099693-156100892; plus strand). Cytogenetic location: 1q22.
Variant type: single nucleotide variant.
Coding change: c.489T>G on transcript NM_170707.4 (MANE Select); coding-DNA position 489, T replaced by G.
Protein change: p.His163Gln; replaces histidine 163 with glutamine.
Molecular consequence: missense variant.
Genome position (GRCh38, 1-based): chr1:156,130,749, T>G. VCF-style: chr1-156130749-T-G. GRCh37 (hg19) VCF-style: chr1-156100540-T-G.
Other names: c.153T>G, p.His51Gln (NM_001257374.3); c.246T>G, p.His82Gln (NM_001282624.2); c.489T>G, p.His163Gln (NM_001282625.2, NM_001282626.2, NM_005572.4 and 1 more transcripts); short protein forms H163Q, H51Q, H82Q.
Identifiers: ClinVar variation 576229 (VCV000576229.14), dbSNP rs1558126350, ClinGen allele CA342815627.
Genomic context (GRCh38, chr1:156,130,749, plus strand): 5'-CAAGGAGGCCGCACTGAGCACTGCTCTCAGTGAGAAGCGCACGCTGGAGGGCGAGCTGCA[T>G]GATCTGCGGGGCCAGGTGGCCAAGGTGAGGCCACCCTGCAGGGCCCACCCATGGCCCCAC-3'
Protein context (NP_733821.1, residues 153-173): SEKRTLEGEL[His163Gln]DLRGQVAKLE